The following is an entry in ClinVar:

ClinVar aggregate classification (germline): Uncertain significance (1 of 4 stars; one submission).

gnomAD v4.1: 4 of 1,605,498 alleles (0.00025%); highest among the groups gnomAD compares: South Asian, 0.0044%; no homozygotes.

Submission:

CeGaT Center for Human Genetics Tuebingen
Classification: Uncertain significance. Last evaluated: 2023-09-01. Review status: criteria provided, single submitter. Criteria: CeGaT Center For Human Genetics Tuebingen Variant Classification Criteria Version 2. Collection method: clinical testing. Allele origin: germline. Affected: yes. Observed: 1 variant allele.
Comment: COA6: PP3

NM_001206641.3(COA6):c.47G>T (p.Ser16Ile)

Genes: COA6 (cytochrome c oxidase assembly factor 6; plus strand), COA6-AS1 (COA6 antisense RNA 1; minus strand). Cytogenetic location: 1q42.2.
Variant type: single nucleotide variant.
Coding change: c.47G>T on transcript NM_001206641.3 (MANE Select); coding-DNA position 47, G replaced by T.
Protein change: p.Ser16Ile; replaces serine 16 with isoleucine.
Molecular consequence: missense variant. On other transcripts: non-coding transcript variant (1).
Genome position (GRCh38, 1-based): chr1:234,373,513, G>T. VCF-style: chr1-234373513-G-T. GRCh37 (hg19) VCF-style: chr1-234509259-G-T.
Other names: short protein forms S16I.
Identifiers: ClinVar variation 2582873 (VCV002582873.25), dbSNP rs10910420, ClinGen allele CA1459917.